The following is an entry in ClinVar:

NM_003334.4(UBA1):c.1292G>C (p.Cys431Ser)

Gene: UBA1 (ubiquitin like modifier activating enzyme 1; plus strand). Cytogenetic location: Xp11.3.
Variant type: single nucleotide variant.
Coding change: c.1292G>C on transcript NM_003334.4 (MANE Select); coding-DNA position 1292, G replaced by C.
Protein change: p.Cys431Ser; replaces cysteine 431 with serine.
Molecular consequence: missense variant.
Genome position (GRCh38, 1-based): chrX:47,203,001, G>C. VCF-style: chrX-47203001-G-C. GRCh37 (hg19) VCF-style: chrX-47062400-G-C.
Other names: c.1292G>C, p.Cys431Ser (NM_153280.3); short protein forms C431S.
Identifiers: ClinVar variation 1036844 (VCV001036844.8), dbSNP rs1936478450, ClinGen allele CA412797179.

ClinVar aggregate classification (germline): Uncertain significance (1 of 4 stars; one submission).

Conditions:
Infantile-onset X-linked spinal muscular atrophy. Also called: SPINAL MUSCULAR ATROPHY, X-LINKED LETHAL INFANTILE; Spinal muscular atrophy, X-linked 2; AMC, DISTAL, X-LINKED; ARTHROGRYPOSIS, X-LINKED, TYPE I; Spinal Muscular Atrophy, X-Linked Infantile. Identifiers: Orphanet 1145, MedGen C1844934, MONDO:0010532, OMIM 301830.

Submission:

Labcorp Genetics (formerly Invitae), Labcorp
Classification: Uncertain significance for Infantile-onset X-linked spinal muscular atrophy. Last evaluated: 2022-10-19. Review status: criteria provided, single submitter. Criteria: Invitae Variant Classification Sherloc (09022015). Collection method: clinical testing. Allele origin: germline.
Comment: In summary, the available evidence is currently insufficient to determine the role of this variant in disease. Therefore, it has been classified as a Variant of Uncertain Significance. Algorithms developed to predict the effect of missense changes on protein structure and function (SIFT, PolyPhen-2, Align-GVGD) all suggest that this variant is likely to be tolerated. ClinVar contains an entry for this variant (Variation ID: 1036844). This variant has not been reported in the literature in individuals affected with UBA1-related conditions. This variant is not present in population databases (gnomAD no frequency). This sequence change replaces cysteine, which is neutral and slightly polar, with serine, which is neutral and polar, at codon 431 of the UBA1 protein (p.Cys431Ser).